The following is an entry in ClinVar:

ClinVar aggregate classification (germline): Uncertain significance (1 of 4 stars; one submission).

Conditions:
Leukodystrophy, hypomyelinating, 19, transient infantile. Identifiers: MedGen C5231463, MONDO:0032871, OMIM 618688.

Allele frequency attached by ClinVar (database versions not stated): gnomAD exomes 0.00001.
gnomAD v4.1: 5 of 1,614,176 alleles (0.00031%); highest among the groups gnomAD compares: South Asian, 0.0055%; no homozygotes.

Submission:

Diagnostics Services (NGS), CSIR - Centre For Cellular And Molecular Biology
Classification: Uncertain significance for Leukodystrophy, hypomyelinating, 19, transient infantile. Last evaluated: 2022-11-04. Review status: criteria provided, single submitter. Criteria: ACMG Guidelines, 2015. Collection method: clinical testing. Allele origin: unknown. Affected: yes. Observed: 1 variant allele, 1 heterozygote.
Comment: The c.1049C>A variant is not present in publicly available population databases like 1000 Genomes, EVS, ExAC, Indian Exome Database or our in-house exome database. The variant is present in gnomAD at low frequency. This variant has neither been published nor reported to clinical databases like ClinVar, Human Genome Mutation Database (HGMD) or OMIM, in any affected individuals. In-silico pathogenicity prediction programs like SIFT, Polyphen2, MutationTaster2, CADD etc. predicted this variant to be likely deleterious, however these predictions were not confirmed by any published functional studies.

NM_014698.3(TMEM63A):c.1049C>A (p.Ala350Asp)

Gene: TMEM63A (transmembrane protein 63A; minus strand). Cytogenetic location: 1q42.12.
Variant type: single nucleotide variant.
Coding change: c.1049C>A on transcript NM_014698.3 (MANE Select); coding-DNA position 1049, C replaced by A.
Protein change: p.Ala350Asp; replaces alanine 350 with aspartic acid.
Molecular consequence: missense variant.
Genome position (GRCh38, 1-based): chr1:225,862,254, G>T on the plus strand (C>A on the coding strand, the complement: TMEM63A is on the minus strand). VCF-style: chr1-225862254-G-T. GRCh37 (hg19) VCF-style: chr1-226049954-G-T.
Other names: short protein forms A350D.
Identifiers: ClinVar variation 1802267 (VCV001802267.3), dbSNP rs1379588540, ClinGen allele CA345021069.